The following is an entry in ClinVar:

NM_025074.7(FRAS1):c.4301G>A (p.Arg1434His)

Gene: FRAS1 (Fraser extracellular matrix complex subunit 1; plus strand). Cytogenetic location: 4q21.21.
Variant type: single nucleotide variant.
Coding change: c.4301G>A on transcript NM_025074.7 (MANE Select); coding-DNA position 4301, G replaced by A.
Protein change: p.Arg1434His; replaces arginine 1434 with histidine.
Molecular consequence: missense variant.
Genome position (GRCh38, 1-based): chr4:78,407,834, G>A. VCF-style: chr4-78407834-G-A. GRCh37 (hg19) VCF-style: chr4-79328988-G-A.
Other names: c.4301G>A, p.Arg1434His (NM_001166133.2); c.4301G>A (NM_025074.6); short protein forms R1434H.
Identifiers: ClinVar variation 2365377 (VCV002365377.8), dbSNP rs749321722, ClinGen allele CA2977148.

ClinVar aggregate classification (germline): Uncertain significance. Review status: criteria provided, multiple submitters, no conflicts (2 of 4 stars). 3 submissions from 3 submitters: Uncertain significance (3). Last evaluated 2025-08-18.

Conditions:
Inborn genetic diseases. Identifiers: MedGen C0950123, MeSH D030342.
Fraser syndrome 1 (FRASRS1). Also called: CRYPTOPHTHALMOS WITH OTHER MALFORMATIONS. Identifiers: Orphanet 2052, MedGen C4551480, MONDO:0054737, OMIM 219000.

Allele frequency attached by ClinVar (database versions not stated): ExAC 0.00003; TOPMed 0.00003; gnomAD 0.00005.
gnomAD v4.1: 55 of 1,597,220 alleles (0.0034%); highest among the groups gnomAD compares: Middle Eastern, 0.017%; no homozygotes.

Submissions (3):

Labcorp Genetics (formerly Invitae), Labcorp
Classification: Uncertain significance. Last evaluated: 2025-08-18. Review status: criteria provided, single submitter. Criteria: Invitae Variant Classification Sherloc (09022015). Collection method: clinical testing. Allele origin: germline.
Comment: This sequence change replaces arginine, which is basic and polar, with histidine, which is basic and polar, at codon 1434 of the FRAS1 protein (p.Arg1434His). This variant is present in population databases (rs749321722, gnomAD 0.006%). This variant has not been reported in the literature in individuals affected with FRAS1-related conditions. ClinVar contains an entry for this variant (Variation ID: 2365377). Invitae Evidence Modeling of protein sequence and biophysical properties (such as structural, functional, and spatial information, amino acid conservation, physicochemical variation, residue mobility, and thermodynamic stability) indicates that this missense variant is not expected to disrupt FRAS1 protein function with a negative predictive value of 80%. In summary, the available evidence is currently insufficient to determine the role of this variant in disease. Therefore, it has been classified as a Variant of Uncertain Significance.

Fulgent Genetics
Classification: Uncertain significance for Fraser syndrome 1. Last evaluated: 2024-01-16. Review status: criteria provided, single submitter. Criteria: ACMG Guidelines, 2015. Collection method: clinical testing. Allele origin: germline.

Ambry Genetics
Classification: Uncertain significance for Inborn genetic diseases. Last evaluated: 2022-11-17. Review status: criteria provided, single submitter. Criteria: Ambry Variant Classification Scheme 2023. Collection method: clinical testing. Allele origin: germline.